The following is an entry in ClinVar:

NM_000384.3(APOB):c.10672C>A (p.Arg3558Ser)

Gene: APOB (apolipoprotein B; minus strand). Cytogenetic location: 2p24.1.
Variant type: single nucleotide variant.
Coding change: c.10672C>A on transcript NM_000384.3 (MANE Select); coding-DNA position 10672, C replaced by A.
Protein change: p.Arg3558Ser; replaces arginine 3558 with serine.
Molecular consequence: missense variant.
Genome position (GRCh38, 1-based): chr2:21,006,196, G>T on the plus strand (C>A on the coding strand, the complement: APOB is on the minus strand). VCF-style: chr2-21006196-G-T. GRCh37 (hg19) VCF-style: chr2-21229068-G-T.
Other names: short protein forms R3558S.
Identifiers: ClinVar variation 3762061 (VCV003762061.2).

ClinVar aggregate classification (germline): Uncertain significance (1 of 4 stars; one submission).

Conditions:
Familial hypobetalipoproteinemia 1. Also called: APOB-Related Familial Hypobetalipoproteinemia; Hypobetalipoproteinemia, normotriglyceridemic; Acanthocytosis with hypobetalipoproteinemia. Identifiers: MedGen C4551990, MONDO:0014252, OMIM 615558.
Hypercholesterolemia, autosomal dominant, type B (FHCL2). Also called: Familial Hypercholesterolemia Type B; APOLIPOPROTEIN B-100, FAMILIAL DEFECTIVE; APOLIPOPROTEIN B-100, FAMILIAL LIGAND-DEFECTIVE; HYPERCHOLESTEROLEMIA, FAMILIAL, DUE TO LIGAND-DEFECTIVE APOLIPOPROTEIN B; Hyperlipoproteinemia Type IIb; Familial hypercholesterolemia 2. Identifiers: MedGen C1704417, MONDO:0007751, OMIM 144010.

Submission:

Labcorp Genetics (formerly Invitae), Labcorp
Classification: Uncertain significance for Familial hypobetalipoproteinemia 1; Hypercholesterolemia, autosomal dominant, type B. Last evaluated: 2024-06-09. Review status: criteria provided, single submitter. Criteria: Invitae Variant Classification Sherloc (09022015). Collection method: clinical testing. Allele origin: germline.
Comment: This sequence change replaces arginine, which is basic and polar, with serine, which is neutral and polar, at codon 3558 of the APOB protein (p.Arg3558Ser). This variant is not present in population databases (gnomAD no frequency). This variant has not been reported in the literature in individuals affected with APOB-related conditions. Advanced modeling of protein sequence and biophysical properties (such as structural, functional, and spatial information, amino acid conservation, physicochemical variation, residue mobility, and thermodynamic stability) has been performed at Invitae for this missense variant, however the output from this modeling did not meet the statistical confidence thresholds required to predict the impact of this variant on APOB protein function. In summary, the available evidence is currently insufficient to determine the role of this variant in disease. Therefore, it has been classified as a Variant of Uncertain Significance.